The following is an entry in ClinVar:

NM_000088.4(COL1A1):c.1011_1019del (p.Ala340_Pro342del)

Gene: COL1A1 (collagen type I alpha 1 chain; minus strand). Cytogenetic location: 17q21.33.
Variant type: Deletion.
Coding change: c.1011_1019del on transcript NM_000088.4 (MANE Select); coding-DNA positions 1011 to 1019, 9 bases deleted (CGGCCCCGC; older notation c.1011_1019delCGGCCCCGC).
Protein change: p.Ala340_Pro342del.
Molecular consequence: inframe deletion.
Genome position (GRCh38, 1-based): chr17:50,195,960-50,195,968, GCGGGGCCG deleted on the plus strand (CGGCCCCGC on the coding strand, the reverse complement: COL1A1 is on the minus strand); deleting any 9 consecutive bases within chr17:50,195,960-50,195,969 gives the same sequence; the c. name uses the placement nearest the transcript's 3' end. VCF-style (leftmost placement, unchanged base first): chr17-50195959-AGCGGGGCCG-A. GRCh37 (hg19) VCF-style: chr17-48273320-AGCGGGGCCG-A.
Identifiers: ClinVar variation 2722167 (VCV002722167.3), dbSNP rs2509231757, ClinGen allele CA2697560372.

ClinVar aggregate classification (germline): Likely pathogenic (1 of 4 stars; one submission).

Conditions:
Osteogenesis imperfecta type I (OI1). Also called: Lobstein's Disease; Classic Non-deforming Osteogenesis Imperfecta with Blue Sclerae; Lobstein disease; OI, TYPE I; OSTEOGENESIS IMPERFECTA TARDA; OSTEOGENESIS IMPERFECTA WITH BLUE SCLERAE. Identifiers: Orphanet 216796, Orphanet 666, MedGen C0023931, MONDO:0008146, OMIM 166200. Disease mechanism: loss of function.

Submission:

Labcorp Genetics (formerly Invitae), Labcorp
Classification: Likely pathogenic for Osteogenesis imperfecta type I. Last evaluated: 2023-10-04. Review status: criteria provided, single submitter. Criteria: Invitae Variant Classification Sherloc (09022015). Collection method: clinical testing. Allele origin: germline.
Comment: This variant, c.1011_1019del, results in the deletion of 3 amino acid(s) of the COL1A1 protein (p.Ala340_Pro342del), but otherwise preserves the integrity of the reading frame. This variant is not present in population databases (gnomAD no frequency). This variant has not been reported in the literature in individuals affected with COL1A1-related conditions. This variant disrupts the triple helix domain of COL1A1. Glycine residues within the Gly-Xaa-Yaa repeats of the triple helix domain are required for the structure and stability of fibrillar collagens (PMID: 7695699, 8218237, 19344236). In COL1A1, variants affecting these glycine residues are significantly enriched in individuals with disease (PMID: 9016532, 17078022) compared to the general population (ExAC). In summary, the currently available evidence indicates that the variant is pathogenic, but additional data are needed to prove that conclusively. Therefore, this variant has been classified as Likely Pathogenic.

Literature cited by the submitters: PubMed 7695699; PubMed 8218237; PubMed 19344236; PubMed 9016532; PubMed 17078022.